The following is an entry in ClinVar:

NM_000135.4(FANCA):c.1612G>C (p.Gly538Arg)

Gene: FANCA (FA complementation group A; minus strand). Cytogenetic location: 16q24.3.
Variant type: single nucleotide variant.
Coding change: c.1612G>C on transcript NM_000135.4 (MANE Select); coding-DNA position 1612, G replaced by C.
Protein change: p.Gly538Arg; replaces glycine 538 with arginine.
Molecular consequence: missense variant.
Genome position (GRCh38, 1-based): chr16:89,782,873, C>G on the plus strand (G>C on the coding strand, the complement: FANCA is on the minus strand). VCF-style: chr16-89782873-C-G. GRCh37 (hg19) VCF-style: chr16-89849281-C-G.
Other names: c.1612G>C, p.Gly538Arg (NM_001286167.3); short protein forms G538R.
Identifiers: ClinVar variation 3606988 (VCV003606988.2).
Genomic context (GRCh38, chr16:89,782,873, plus strand): 5'-GGTGGGCGTGACTGGCTGAGACCCTGCAGGGCTCAAGCAACATTACCTCAGTAATGTCCC[C>G]AGCTGATGACAAATCCTCGTAGAGTCCCATGTTTTCTATAGAAACCTTCAGGGAAGACAC-3'
Protein context (NP_000126.2, residues 528-548): MGLYEDLSSA[Gly538Arg]DITEPHSQAL

ClinVar aggregate classification (germline): Uncertain significance (1 of 4 stars; one submission).

Conditions:
Fanconi anemia (FA). Also called: Fanconi's anemia. Identifiers: Orphanet 84, MedGen C0015625, MeSH D005199, MONDO:0019391.

gnomAD v4.1: 2 of 1,613,946 alleles (0.00012%); highest among the groups gnomAD compares: African/African-American, 0.0027%; no homozygotes.

Submission:

Labcorp Genetics (formerly Invitae), Labcorp
Classification: Uncertain significance for Fanconi anemia. Last evaluated: 2024-11-05. Review status: criteria provided, single submitter. Criteria: Invitae Variant Classification Sherloc (09022015). Collection method: clinical testing. Allele origin: germline.
Comment: This sequence change replaces glycine, which is neutral and non-polar, with arginine, which is basic and polar, at codon 538 of the FANCA protein (p.Gly538Arg). This variant is not present in population databases (gnomAD no frequency). This variant has not been reported in the literature in individuals affected with FANCA-related conditions. Invitae Evidence Modeling of protein sequence and biophysical properties (such as structural, functional, and spatial information, amino acid conservation, physicochemical variation, residue mobility, and thermodynamic stability) indicates that this missense variant is not expected to disrupt FANCA protein function with a negative predictive value of 95%. In summary, the available evidence is currently insufficient to determine the role of this variant in disease. Therefore, it has been classified as a Variant of Uncertain Significance.